The following is an entry in ClinVar:

ClinVar aggregate classification (germline): Uncertain significance (1 of 4 stars; one submission).

Conditions:
Familial thoracic aortic aneurysm and aortic dissection (TAAD). Also called: Thoracic aortic aneurysms and dissections. Identifiers: Orphanet 91387, MedGen C4707243, MONDO:0019625.

gnomAD v4.1: 2 of 1,563,794 alleles (0.00013%); highest among the groups gnomAD compares: African/African-American, 0.0014%; no homozygotes.

Submission:

Ambry Genetics
Classification: Uncertain significance for Familial thoracic aortic aneurysm and aortic dissection. Last evaluated: 2025-10-05. Review status: criteria provided, single submitter. Criteria: Ambry Variant Classification Scheme 2023. Collection method: clinical testing. Allele origin: germline.
Comment: The p.A585V variant (also known as c.1754C>T), located in coding exon 10 of the MYLK gene, results from a C to T substitution at nucleotide position 1754. The alanine at codon 585 is replaced by valine, an amino acid with similar properties. This amino acid position is conserved. In addition, the in silico prediction for this alteration is inconclusive. Based on the available evidence, the clinical significance of this variant remains unclear.

NM_053025.4(MYLK):c.1754C>T (p.Ala585Val)

Gene: MYLK (myosin light chain kinase; minus strand). Cytogenetic location: 3q21.1.
Variant type: single nucleotide variant.
Coding change: c.1754C>T on transcript NM_053025.4 (MANE Select); coding-DNA position 1754, C replaced by T.
Protein change: p.Ala585Val; replaces alanine 585 with valine.
Molecular consequence: missense variant.
Genome position (GRCh38, 1-based): chr3:123,722,178, G>A on the plus strand (C>T on the coding strand, the complement: MYLK is on the minus strand). VCF-style: chr3-123722178-G-A. GRCh37 (hg19) VCF-style: chr3-123441025-G-A.
Other names: c.1226C>T, p.Ala409Val (NM_001321309.2); c.1547C>T, p.Ala516Val (NM_053026.4, NM_053028.4); c.1754C>T, p.Ala585Val (NM_053027.4); short protein forms A585V, A409V, A516V.
Identifiers: ClinVar variation 4635438 (VCV004635438.1).